The following is an entry in ClinVar:

ClinVar aggregate classification (germline): Conflicting classifications of pathogenicity. Review status: criteria provided, conflicting classifications (1 of 4 stars). 5 submissions from 5 submitters: Pathogenic (2); Uncertain significance (2). 1 of the submissions does not count toward it. Last evaluated 2025-12-27.

Conditions:
PMM2-congenital disorder of glycosylation. Also called: PMM2-CDG; PHOSPHOMANNOMUTASE 2 DEFICIENCY; CARBOHYDRATE-DEFICIENT GLYCOPROTEIN SYNDROME, TYPE Ia; Congenital disorder of glycosylation, type Ia; CDG Ia; JAEKEN SYNDROME. Identifiers: Orphanet 79318, MedGen C0349653, MONDO:0008907, OMIM 212065.

Allele frequency attached by ClinVar (database versions not stated): ExAC 0.00002; gnomAD exomes 0.00002 and 0.00008; TOPMed 0.00002; gnomAD 0.00003.
gnomAD v4.1: 121 of 1,613,116 alleles (0.0075%); highest among the groups gnomAD compares: Non-Finnish European, 0.01%; no homozygotes.

Submissions (5):

Labcorp Genetics (formerly Invitae), Labcorp
Classification: Pathogenic for PMM2-congenital disorder of glycosylation. Last evaluated: 2025-12-27. Review status: criteria provided, single submitter. Criteria: Invitae Variant Classification Sherloc (09022015). Collection method: clinical testing. Allele origin: germline.
Comment: This sequence change replaces valine, which is neutral and non-polar, with glycine, which is neutral and non-polar, at codon 67 of the PMM2 protein (p.Val67Gly). This variant is present in population databases (rs751986971, gnomAD 0.004%). This missense change has been observed in individual(s) with congenital disorder of gylcosylation type Ia (PMID: 16435227). In at least one individual the data is consistent with being in trans (on the opposite chromosome) from a pathogenic variant. ClinVar contains an entry for this variant (Variation ID: 285370). Invitae Evidence Modeling of protein sequence and biophysical properties (such as structural, functional, and spatial information, amino acid conservation, physicochemical variation, residue mobility, and thermodynamic stability) indicates that this missense variant is expected to disrupt PMM2 protein function with a positive predictive value of 95%. This variant disrupts the p.Val67 amino acid residue in PMM2. Other variant(s) that disrupt this residue have been observed in individuals with PMM2-related conditions (PMID: 11058896), which suggests that this may be a clinically significant amino acid residue. For these reasons, this variant has been classified as Pathogenic.

Women's Health and Genetics/Laboratory Corporation of America, LabCorp
Classification: Uncertain significance. Last evaluated: 2025-08-22. Review status: criteria provided, single submitter. Criteria: LabCorp Variant Classification Summary - May 2015. Collection method: clinical testing. Allele origin: germline.
Comment: Variant summary: PMM2 c.200T>G (p.Val67Gly) results in a non-conservative amino acid change in the encoded protein sequence. Algorithms developed to predict the effect of missense changes on protein structure and function all suggest that this variant is likely to be disruptive. The variant allele was found at a frequency of 2e-05 in 251388 control chromosomes. The available data on variant occurrences in the general population are insufficient to allow any conclusion about variant significance. c.200T>G has been reported in the literature in at-least one individual affected with Congenital Disorder Of Glycosylation Type 1a (example: Coman_2005). These data do not allow any conclusion about variant significance. To our knowledge, no experimental evidence demonstrating an impact on protein function has been reported. The following publication has been ascertained in the context of this evaluation (PMID: 16435227). ClinVar contains an entry for this variant (Variation ID: 285370). Based on the evidence outlined above, the variant was classified as uncertain significance.

Fulgent Genetics
Classification: Pathogenic for PMM2-congenital disorder of glycosylation. Last evaluated: 2024-04-10. Review status: criteria provided, single submitter. Criteria: ACMG Guidelines, 2015. Collection method: clinical testing. Allele origin: germline.

Eurofins Ntd Llc (ga)
Classification: Uncertain significance. Last evaluated: 2015-12-14. Review status: criteria provided, single submitter. Criteria: EGL Classification Definitions 2015. Collection method: clinical testing. Allele origin: germline. Observed: 1 variant allele, 1 heterozygote.

Counsyl
Classification: Uncertain significance for PMM2-congenital disorder of glycosylation. Last evaluated: 2017-11-08. Review status: no assertion criteria provided. Collection method: clinical testing. Allele origin: unknown. Not counted in ClinVar's aggregate classification.

Literature cited by the submitters: PubMed 16435227 (cited by 3 submitters); PubMed 11058896 (cited by Labcorp Genetics (formerly Invitae), Labcorp).

NM_000303.3(PMM2):c.200T>G (p.Val67Gly)

Gene: PMM2 (phosphomannomutase 2; plus strand). Cytogenetic location: 16p13.2.
Variant type: single nucleotide variant.
Coding change: c.200T>G on transcript NM_000303.3 (MANE Select); coding-DNA position 200, T replaced by G.
Protein change: p.Val67Gly; replaces valine 67 with glycine.
Molecular consequence: missense variant.
Genome position (GRCh38, 1-based): chr16:8,804,788, T>G. VCF-style: chr16-8804788-T-G. GRCh37 (hg19) VCF-style: chr16-8898645-T-G.
Other names: short protein forms V67G.
Identifiers: ClinVar variation 285370 (VCV000285370.15), dbSNP rs751986971, ClinGen allele CA7893961.
Genomic context (GRCh38, chr16:8,804,788, plus strand): 5'-TTCTTTGCATTCTAAGTGTTTTTTTGGTTTTGATTGTAGTGGTTGAAAAATACGATTATG[T>G]GTTTCCAGAAAATGGCTTGGTAGCATACAAAGATGGGAAACTCTTGTGTAGACAGGTAGG-3'
Protein context (NP_000294.1, residues 57-77): GNDVVEKYDY[Val67Gly]FPENGLVAYK